The following is an entry in ClinVar:

ClinVar aggregate classification (germline): Pathogenic (1 of 4 stars; one submission).

Submission:

GeneDx
Classification: Pathogenic. Last evaluated: 2018-02-19. Review status: criteria provided, single submitter. Criteria: GeneDx Variant Classification (06012015). Collection method: clinical testing. Allele origin: germline. Affected: yes.
Comment: The W213X variant in the TAZ gene has not been reported previously as a pathogenic variant nor as a benign variant, to our knowledge. This variant is predicted to cause loss of normal protein function either through protein truncation or nonsense-mediated mRNA decay. The W213X variant is not observed in large population cohorts (Lek et al., 2016). We interpret W213X as a pathogenic variant.

NM_000116.5(TAFAZZIN):c.639G>A (p.Trp213Ter)

Gene: TAFAZZIN (tafazzin, phospholipid-lysophospholipid transacylase; plus strand). Cytogenetic location: Xq28.
Variant type: single nucleotide variant.
Coding change: c.639G>A on transcript NM_000116.5 (MANE Select); coding-DNA position 639, G replaced by A.
Protein change: p.Trp213Ter; replaces tryptophan 213 with a stop codon.
Molecular consequence: nonsense. On other transcripts: non-coding transcript variant (1).
Genome position (GRCh38, 1-based): chrX:154,420,087, G>A. VCF-style: chrX-154420087-G-A. GRCh37 (hg19) VCF-style: chrX-153648426-G-A.
Other names: c.651G>A, p.Trp217Ter (NM_001303465.2); c.549G>A, p.Trp183Ter (NM_181311.4); c.597G>A, p.Trp199Ter (NM_181312.4); c.507G>A, p.Trp169Ter (NM_181313.4); short protein forms W213*, W199*, W217*, W169*, W183*.
Identifiers: ClinVar variation 504385 (VCV000504385.2), dbSNP rs1557194077, ClinGen allele CA415184406.
Genomic context (GRCh38, chrX:154,420,087, plus strand): 5'-GGCAGGAATCGGGCGCCTGATTGCTGAGTGTCATCTCAACCCCATCATCCTGCCCCTGTG[G>A]CATGTCGGTGAGCCTGGGGACGGGGACAGAGAGATGGCATCTGGGGTGGGGGGCCTGGGA-3'